The following is an entry in ClinVar:

ClinVar aggregate classification (germline): Benign/Likely benign. Review status: criteria provided, multiple submitters, no conflicts (2 of 4 stars). 4 submissions from 4 submitters: Benign (1); Likely benign (2). 1 of the submissions does not count toward it. Last evaluated 2026-02-01.

Conditions:
MACF1-related disorder. Also called: MACF1-related condition.

Allele frequency attached by ClinVar (database versions not stated): gnomAD exomes 0.00023; ExAC 0.00050; ESP Exome Variant Server 0.00123; gnomAD 0.00153; TOPMed 0.00203; 1000 Genomes Project 0.00260; 1000 Genomes Project 30x 0.00281.
gnomAD v4.1: 572 of 1,613,792 alleles (0.035%); highest among the groups gnomAD compares: African/African-American, 0.65%; 2 homozygotes.

Submissions (4):

CeGaT Center for Human Genetics Tuebingen
Classification: Likely benign. Last evaluated: 2026-02-01. Review status: criteria provided, single submitter. Criteria: CeGaT Center For Human Genetics Tuebingen Variant Classification Criteria Version 2. Collection method: clinical testing. Allele origin: germline. Affected: yes. Observed: 1 variant allele.
Comment: MACF1: BS2

Labcorp Genetics (formerly Invitae), Labcorp
Classification: Benign. Last evaluated: 2025-09-29. Review status: criteria provided, single submitter. Criteria: Invitae Variant Classification Sherloc (09022015). Collection method: clinical testing. Allele origin: germline.

Blueprint Genetics
Classification: Likely benign. Last evaluated: 2024-09-02. Review status: criteria provided, single submitter. Criteria: ACMG Guidelines, 2015. Collection method: clinical testing. Allele origin: germline.

PreventionGenetics, part of Exact Sciences
Classification: Benign for MACF1-related condition. Last evaluated: 2024-05-08. Review status: no assertion criteria provided. Collection method: clinical testing. Allele origin: germline. Not counted in ClinVar's aggregate classification.
Comment: This variant is classified as benign based on ACMG/AMP sequence variant interpretation guidelines (Richards et al. 2015 PMID: 25741868, with internal and published modifications).

NM_001394062.1(MACF1):c.16471C>T (p.His5491Tyr)

Gene: MACF1 (microtubule actin crosslinking factor 1; plus strand). Cytogenetic location: 1p34.3.
Variant type: single nucleotide variant.
Coding change: c.16471C>T on transcript NM_001394062.1 (MANE Select); coding-DNA position 16471, C replaced by T.
Protein change: p.His5491Tyr; replaces histidine 5491 with tyrosine.
Molecular consequence: missense variant.
Genome position (GRCh38, 1-based): chr1:39,427,609, C>T. VCF-style: chr1-39427609-C-T. GRCh37 (hg19) VCF-style: chr1-39893281-C-T.
Other names: c.4867C>T, p.His1623Tyr (NM_001397473.1); c.10285C>T, p.His3429Tyr (NM_012090.5); short protein forms H5491Y, H3429Y, H1623Y.
Identifiers: ClinVar variation 2041872 (VCV002041872.11), dbSNP rs78918472, ClinGen allele CA783350.